The following is an entry in ClinVar:

ClinVar aggregate classification (germline): Pathogenic/Likely pathogenic. Review status: criteria provided, multiple submitters, no conflicts (2 of 4 stars). 4 submissions from 4 submitters: Pathogenic (1); Likely pathogenic (3). Last evaluated 2026-01-05.

Conditions:
NPHS1-related disorder. Also called: NPHS1-related condition.
Finnish congenital nephrotic syndrome (NPHS1). Also called: NEPHROTIC SYNDROME, TYPE 1. Identifiers: Orphanet 839, MedGen C0403399, MONDO:0009732, OMIM 256300.

Submissions (4):

Natera, Inc.
Classification: Likely pathogenic for Finnish congenital nephrotic syndrome. Last evaluated: 2026-01-05. Review status: criteria provided, single submitter. Criteria: Natera Variant Classification Schema (03/2026). Collection method: clinical testing. Allele origin: germline.
Comment: The c.3335delA variant in NPHS1 is a frameshift variant predicted to shift the reading frame beginning at codon 1112 and leads to a stop codon 31 codons downstream. This variant is expected to result in nonsense mediated decay, truncation, or a dysfunctional protein product. This variant is rare in the general population with a frequency below the threshold expected for the associated phenotype(s). Given the available evidence, this variant is classified as Likely Pathogenic.

Baylor Genetics
Classification: Likely pathogenic for Finnish congenital nephrotic syndrome. Last evaluated: 2023-01-16. Review status: criteria provided, single submitter. Criteria: ACMG Guidelines, 2015. Collection method: clinical testing. Allele origin: unknown.

Labcorp Genetics (formerly Invitae), Labcorp
Classification: Pathogenic. Last evaluated: 2021-03-24. Review status: criteria provided, single submitter. Criteria: Invitae Variant Classification Sherloc (09022015). Collection method: clinical testing. Allele origin: germline.
Comment: This variant has not been reported in the literature in individuals with NPHS1-related conditions. Loss-of-function variants in NPHS1 are known to be pathogenic (PMID: 11317351, 11854170, 12039988). For these reasons, this variant has been classified as Pathogenic. This sequence change creates a premature translational stop signal (p.Asn1112Thrfs*31) in the NPHS1 gene. It is expected to result in an absent or disrupted protein product. This variant is not present in population databases (ExAC no frequency).

Blueprint Genetics
Classification: Likely pathogenic for NPHS1-related disorders. Last evaluated: 2020-01-10. Review status: criteria provided, single submitter. Criteria: ACMG Guidelines, 2015. Collection method: clinical testing. Allele origin: germline. Affected: yes. Observed: 1 variant allele.

Literature cited by the submitters: PubMed 11317351 (cited by Labcorp Genetics (formerly Invitae), Labcorp); PubMed 11854170 (cited by Labcorp Genetics (formerly Invitae), Labcorp); PubMed 12039988 (cited by Labcorp Genetics (formerly Invitae), Labcorp).

NM_004646.4(NPHS1):c.3335del (p.Asn1112fs)

Gene: NPHS1 (NPHS1 adhesion molecule, nephrin; minus strand). Cytogenetic location: 19q13.12.
Variant type: Deletion.
Coding change: c.3335del on transcript NM_004646.4 (MANE Select); coding-DNA position 3335, one base deleted (A; older notation c.3335delA).
Protein change: p.Asn1112fs; shifts the reading frame from asparagine 1112.
Molecular consequence: frameshift variant.
Genome position (GRCh38, 1-based): chr19:35,831,348, T deleted on the plus strand (A on the coding strand, the reverse complement: NPHS1 is on the minus strand); the first of 2 consecutive T bases (chr19:35,831,348-35,831,349); deleting either gives the same sequence. VCF-style (leftmost placement, unchanged base first): chr19-35831347-GT-G. GRCh37 (hg19) VCF-style: chr19-36322249-GT-G.
Other names: c.3335delA (NM_004646.3); short protein forms N1112fs.
Identifiers: ClinVar variation 851701 (VCV000851701.10), dbSNP rs1972879328, ClinGen allele CA916082455.